The following is an entry in ClinVar:

NM_001035.3(RYR2):c.4989C>T (p.Ala1663=)

Gene: RYR2 (ryanodine receptor 2; plus strand). Cytogenetic location: 1q43.
Variant type: single nucleotide variant.
Coding change: c.4989C>T on transcript NM_001035.3 (MANE Select); coding-DNA position 4989, C replaced by T.
Protein change: p.Ala1663=; no amino-acid change (alanine 1663 retained).
Molecular consequence: synonymous variant.
Genome position (GRCh38, 1-based): chr1:237,614,117, C>T. VCF-style: chr1-237614117-C-T. GRCh37 (hg19) VCF-style: chr1-237777417-C-T.
Other names: p.A1663A:GCC>GCT.
Identifiers: ClinVar variation 43797 (VCV000043797.34), dbSNP rs147060179, ClinGen allele CA009734.

ClinVar aggregate classification (germline): Benign/Likely benign. Review status: criteria provided, multiple submitters, no conflicts (2 of 4 stars). 13 submissions from 13 submitters: Benign (9); Likely benign (1). 3 of the submissions do not count toward it. Last evaluated 2026-01-27.

Conditions:
RYR2-related disorder. Also called: RYR2-related condition.
Cardiomyopathy (CMYO). Also called: Cardiomyopathies. Identifiers: Orphanet 167848, MedGen C0878544, MONDO:0004994, HP:0001638. Inheritance: Various modes of inheritance.
Catecholaminergic polymorphic ventricular tachycardia 1. Also called: VENTRICULAR TACHYCARDIA, CATECHOLAMINERGIC POLYMORPHIC, 1, WITH OR WITHOUT ATRIAL DYSFUNCTION AND/OR DILATED CARDIOMYOPATHY; VENTRICULAR TACHYCARDIA, STRESS-INDUCED POLYMORPHIC 1; RYR2-Related Catecholaminergic Polymorphic Ventricular Tachycardia. Identifiers: Orphanet 3286, MedGen C1631597, MONDO:0011484, OMIM 604772.
Catecholaminergic polymorphic ventricular tachycardia (CVPT). Also called: Catecholamine-induced polymorphic ventricular tachycardia. Identifiers: Orphanet 3286, MedGen C5574922, MONDO:0017990.

Allele frequency attached by ClinVar (database versions not stated): gnomAD 0.00220; TOPMed 0.00256; ESP Exome Variant Server 0.00266; 1000 Genomes Project 0.00359; 1000 Genomes Project 30x 0.00390.
gnomAD v4.1: 735 of 1,614,016 alleles (0.046%); highest among the groups gnomAD compares: African/African-American, 0.85%; 6 homozygotes.

Submissions (13):

Labcorp Genetics (formerly Invitae), Labcorp
Classification: Benign for Catecholaminergic polymorphic ventricular tachycardia 1. Last evaluated: 2026-01-27. Review status: criteria provided, single submitter. Criteria: Invitae Variant Classification Sherloc (09022015). Collection method: clinical testing. Allele origin: germline.

Molecular Diagnostic Laboratory for Inherited Cardiovascular Disease, Montreal Heart Institute
Classification: Benign. Last evaluated: 2025-04-09. Review status: criteria provided, single submitter. Criteria: ACMG Guidelines, 2015. Collection method: clinical testing. Allele origin: germline. Affected: no.

Blueprint Genetics
Classification: Likely benign. Last evaluated: 2024-07-18. Review status: criteria provided, single submitter. Criteria: ACMG Guidelines, 2015. Collection method: clinical testing. Allele origin: germline.

All of Us Research Program, National Institutes of Health
Classification: Benign for Catecholaminergic polymorphic ventricular tachycardia. Last evaluated: 2024-02-05. Review status: criteria provided, single submitter. Criteria: ACMG Guidelines, 2015. Collection method: clinical testing. Allele origin: germline. Inheritance: Autosomal dominant inheritance. Observed: 142 variant alleles, 142 heterozygotes.
Comment: This study involves interpretation of variants in research participants for the purpose of population health screening. Participant phenotype was not available at the time of variant classification. Additional details can be found in publication PMID: 35346344, PMCID: PMC8962531

ARUP Laboratories, Molecular Genetics and Genomics, ARUP Laboratories
Classification: Benign. Last evaluated: 2023-12-07. Review status: criteria provided, single submitter. Criteria: ARUP Molecular Germline Variant Investigation Process 2024. Collection method: clinical testing. Allele origin: germline.

Color Diagnostics, LLC DBA Color Health
Classification: Benign for Cardiomyopathy. Last evaluated: 2018-11-08. Review status: criteria provided, single submitter. Criteria: ACMG Guidelines, 2015. Collection method: clinical testing. Allele origin: germline.

Women's Health and Genetics/Laboratory Corporation of America, LabCorp
Classification: Benign. Last evaluated: 2018-10-29. Review status: criteria provided, single submitter. Criteria: LabCorp Variant Classification Summary - May 2015. Collection method: clinical testing. Allele origin: germline.
Comment: Variant summary: RYR2 c.4989C>T results in a synonymous change. 5/5 computational tools predict no significant impact on normal splicing. However, these predictions have yet to be confirmed by functional studies. The variant allele was found at a frequency of 0.0008 in 276848 control chromosomes, predominantly at a frequency of 0.0085 within the African subpopulation in the gnomAD database, including 2 homozygotes. The observed variant frequency within African control individuals in the gnomAD database is approximately 340 folds higher than the estimated maximal expected allele frequency for a pathogenic variant in RYR2 causing Cardiomyopathy phenotype (2.5e-05), strongly suggesting that the variant is a benign polymorphism found primarily in populations of African origin. To our knowledge, no occurrence of c.4989C>T in individuals affected with Cardiomyopathy and no experimental evidence demonstrating its impact on protein function have been reported. Two ClinVar submissions from clinical diagnostic laboratories (evaluation after 2014) cite the variant as likely benign/benign. Based on the evidence outlined above, the variant was classified as benign.

CHEO Genetics Diagnostic Laboratory, Children's Hospital of Eastern Ontario
Classification: Benign for Cardiomyopathy. Last evaluated: 2017-03-16. Review status: criteria provided, single submitter. Criteria: ACMG Guidelines, 2015. Collection method: clinical testing. Allele origin: germline. Study: Canadian Open Genetics Repository.

GeneDx
Classification: Benign. Last evaluated: 2014-10-02. Review status: criteria provided, single submitter. Criteria: GeneDx Variant Classification (06012015). Collection method: clinical testing. Allele origin: germline. Affected: yes.
Comment: This variant is considered likely benign or benign based on one or more of the following criteria: it is a conservative change, it occurs at a poorly conserved position in the protein, it is predicted to be benign by multiple in silico algorithms, and/or has population frequency not consistent with disease.

Laboratory for Molecular Medicine, Mass General Brigham Personalized Medicine
Classification: Benign. Last evaluated: 2012-04-13. Review status: criteria provided, single submitter. Criteria: LMM Criteria. Collection method: clinical testing. Allele origin: germline. Observed: 7 variant alleles.
Comment: Ala1663Ala in Exon 37 of RYR2: This variant is not expected to have clinical sig nificance because it does not alter an amino acid residue, is not located within the splice consensus sequence and has been identified in 0.7% (24/3350) of Afri can American chromosomes from a broad population by the NHLBI Exome Sequencing P roject (dbSNP rs147060179).

PreventionGenetics, part of Exact Sciences
Classification: Benign for RYR2-related condition. Last evaluated: 2019-09-18. Review status: no assertion criteria provided. Collection method: clinical testing. Allele origin: germline. Not counted in ClinVar's aggregate classification.
Comment: This variant is classified as benign based on ACMG/AMP sequence variant interpretation guidelines (Richards et al. 2015 PMID: 25741868, with internal and published modifications).

Clinical Genetics DNA and cytogenetics Diagnostics Lab, Erasmus MC, Erasmus Medical Center
Classification: Benign. Review status: no assertion criteria provided. Collection method: clinical testing. Allele origin: germline. Affected: yes. Study: VKGL Data-share Consensus. Not counted in ClinVar's aggregate classification.

Clinical Genetics, Academic Medical Center
Classification: Benign. Review status: no assertion criteria provided. Collection method: clinical testing. Allele origin: germline. Affected: yes. Study: VKGL Data-share Consensus. Not counted in ClinVar's aggregate classification.